The following is an entry in ClinVar:

NM_001252024.2(TRPM1):c.279+51C>T

Gene: TRPM1 (transient receptor potential cation channel subfamily M member 1; minus strand). Cytogenetic location: 15q13.3.
Variant type: single nucleotide variant.
Coding change: c.279+51C>T on transcript NM_001252024.2 (MANE Select); 51 bases into the intron after coding-DNA position 279, C replaced by T.
Molecular consequence: intron variant. On other transcripts: synonymous variant (1).
Genome position (GRCh38, 1-based): chr15:31,069,980, G>A on the plus strand (C>T on the coding strand, the complement: TRPM1 is on the minus strand). VCF-style: chr15-31069980-G-A. GRCh37 (hg19) VCF-style: chr15-31362183-G-A.
Other names: c.264C>T, p.Gly88= (NM_001252030.2); c.330+51C>T (NM_001252020.2); c.213+51C>T (NM_002420.6).
Identifiers: ClinVar variation 4979664 (VCV004979664.1).

ClinVar aggregate classification (germline): Likely benign (1 of 4 stars; one submission).

Conditions:
TRPM1-related disorder. Also called: TRPM1-related condition.

gnomAD v4.1: 75 of 1,613,994 alleles (0.0046%); highest among the groups gnomAD compares: Admixed American, 0.028%; no homozygotes.

Submission:

PreventionGenetics, part of Exact Sciences
Classification: Likely benign for TRPM1-related condition. Last evaluated: 2025-08-28. Review status: criteria provided, single submitter. Criteria: ACMG Guidelines, 2015. Collection method: clinical testing. Allele origin: germline.
Comment: This variant is classified as likely benign based on ACMG/AMP sequence variant interpretation guidelines (Richards et al. 2015 PMID: 25741868, with internal and published modifications).